The following is an entry in ClinVar:

ClinVar aggregate classification (germline): Benign. Review status: criteria provided, multiple submitters, no conflicts (2 of 4 stars). 6 submissions from 6 submitters: Benign (6). Last evaluated 2026-02-01.

Conditions:
Cataract 4 multiple types. Also called: CATARACT 4, MULTIPLE TYPES, WITH OR WITHOUT MICROCORNEA; CATARACT 4 WITH MICROCORNEA; CATARACT 4, PUNCTATE; CATARACT 4, CRYSTALLINE; CATARACT 4, CENTRAL NUCLEAR; CATARACT 4, NONNUCLEAR POLYMORPHIC CONGENITAL. Identifiers: Orphanet 1377, MedGen C3540850, MONDO:0007281, OMIM 115700.
Aculeiform cataract (CTRCT4). Also called: Fasciculiform cataract; Frosted cataract; Needle-shaped cataract. Identifiers: MedGen C1861832, HP:0010926.

Allele frequency attached by ClinVar (database versions not stated): 1000 Genomes Project 0.77676; 1000 Genomes Project 30x 0.78232; TOPMed 0.86193; gnomAD 0.87219 and 0.87984; ESP Exome Variant Server 0.89243.
gnomAD v4.1: 1,442,439 of 1,614,034 alleles (89%); highest among the groups gnomAD compares: Non-Finnish European, 92%; 649,097 homozygotes.

Submissions (6):

Labcorp Genetics (formerly Invitae), Labcorp
Classification: Benign for Aculeiform cataract. Last evaluated: 2026-02-01. Review status: criteria provided, single submitter. Criteria: Invitae Variant Classification Sherloc (09022015). Collection method: clinical testing. Allele origin: germline.

Genome-Nilou Lab
Classification: Benign for Cataract 4 multiple types. Last evaluated: 2021-07-30. Review status: criteria provided, single submitter. Criteria: ACMG Guidelines, 2015. Collection method: clinical testing. Allele origin: germline. Affected: no.

GeneDx
Classification: Benign. Last evaluated: 2018-03-24. Review status: criteria provided, single submitter. Criteria: GeneDx Variant Classification (06012015). Collection method: clinical testing. Allele origin: germline. Affected: yes.
Comment: This variant is considered likely benign or benign based on one or more of the following criteria: it is a conservative change, it occurs at a poorly conserved position in the protein, it is predicted to be benign by multiple in silico algorithms, and/or has population frequency not consistent with disease.

Illumina Laboratory Services, Illumina
Classification: Benign for Cataract 4 multiple types. Last evaluated: 2018-01-12. Review status: criteria provided, single submitter. Criteria: ICSL Variant Classification Criteria 13 December 2019. Collection method: clinical testing. Allele origin: germline.
Comment: This variant was observed in the ICSL laboratory as part of a predisposition screen in an ostensibly healthy population. It had not been previously curated by ICSL or reported in the Human Gene Mutation Database (HGMD: prior to June 1st, 2018), and was therefore a candidate for classification through an automated scoring system. Utilizing variant allele frequency, disease prevalence and penetrance estimates, and inheritance mode, an automated score was calculated to assess if this variant is too frequent to cause the disease. Based on the score and internal cut-off values, a variant classified as benign is not then subjected to further curation. The score for this variant resulted in a classification of benign for this disease.

Breakthrough Genomics
Classification: Benign. Review status: criteria provided, single submitter. Criteria: ACMG Guidelines, 2015. Collection method: not provided. Allele origin: germline. Inheritance: Autosomal dominant inheritance. Affected: yes.

PreventionGenetics, part of Exact Sciences
Classification: Benign. Review status: criteria provided, single submitter. Criteria: ACMG Guidelines, 2015. Collection method: clinical testing. Allele origin: germline.

NM_006891.4(CRYGD):c.285A>G (p.Arg95=)

Genes: CRYGD (crystallin gamma D; minus strand), LOC100507443 (uncharacterized LOC100507443; plus strand). Cytogenetic location: 2q33.3.
Variant type: single nucleotide variant.
Coding change: c.285A>G on transcript NM_006891.4 (MANE Select); coding-DNA position 285, A replaced by G.
Protein change: p.Arg95=; no amino-acid change (arginine 95 retained).
Molecular consequence: synonymous variant.
Genome position (GRCh38, 1-based): chr2:208,121,913, T>C on the plus strand (A>G on the coding strand, the complement: CRYGD is on the minus strand). VCF-style: chr2-208121913-T-C. GRCh37 (hg19) VCF-style: chr2-208986637-T-C.
Identifiers: ClinVar variation 260061 (VCV000260061.20), dbSNP rs2305430, ClinGen allele CA2077664.